The following is an entry in ClinVar:

ClinVar aggregate classification (germline): Likely benign. Review status: criteria provided, single submitter (1 of 4 stars). 2 submissions from 2 submitters: Likely benign (1). 1 of the submissions does not count toward it. Last evaluated 2025-04-01.

Conditions:
RXYLT1-related disorder. Also called: RXYLT1-related condition.

Allele frequency attached by ClinVar (database versions not stated): 1000 Genomes Project 0.00040; gnomAD 0.00015; ExAC 0.00025; TOPMed 0.00017; 1000 Genomes Project 30x 0.00031.
gnomAD v4.1: 143 of 1,610,030 alleles (0.0089%); highest among the groups gnomAD compares: East Asian, 0.29%; no homozygotes.

Submissions (2):

Mayo Clinic Laboratories, Mayo Clinic
Classification: Likely benign. Last evaluated: 2025-04-01. Review status: criteria provided, single submitter. Criteria: ACMG Guidelines, 2015. Collection method: clinical testing. Allele origin: germline. Observed: 1 variant allele.
Comment: BS1, BP4, BP7

PreventionGenetics, part of Exact Sciences
Classification: Likely benign for RXYLT1-related condition. Last evaluated: 2023-03-21. Review status: no assertion criteria provided. Collection method: clinical testing. Allele origin: germline. Not counted in ClinVar's aggregate classification.
Comment: This variant is classified as likely benign based on ACMG/AMP sequence variant interpretation guidelines (Richards et al. 2015 PMID: 25741868, with internal and published modifications).

NM_014254.3(RXYLT1):c.-4T>C

Genes: RXYLT1 (ribitol xylosyltransferase 1; plus strand), LOC130008195 (ATAC-STARR-seq lymphoblastoid silent region 4614; plus strand). Cytogenetic location: 12q14.2.
Variant type: single nucleotide variant.
Coding change: c.-4T>C on transcript NM_014254.3 (MANE Select); 4 bases upstream of the start codon, T replaced by C.
Molecular consequence: 5 prime UTR variant.
Genome position (GRCh38, 1-based): chr12:63,779,957, T>C. VCF-style: chr12-63779957-T-C. GRCh37 (hg19) VCF-style: chr12-64173737-T-C.
Other names: c.-1117T>C (NM_001278237.2).
Identifiers: ClinVar variation 3048504 (VCV003048504.3), dbSNP rs200481328, ClinGen allele CA6665964.
Genomic context (GRCh38, chr12:63,779,957, plus strand): 5'-GTGTCGCGGATTCTCTTTCCGCCCGCTCCATGGCGGTGGATGCCTGACTGGAAGCCCGAG[T>C]GGGATGCGGCTGACGCGGAAGCGGCTCTGCTCGTTTCTTATCGCCCTGTACTGCCTATTC-3'